The following is an entry in ClinVar:

NM_000812.4(GABRB1):c.1247G>A (p.Arg416His)

Gene: GABRB1 (gamma-aminobutyric acid type A receptor subunit beta1; plus strand). Cytogenetic location: 4p12.
Variant type: single nucleotide variant.
Coding change: c.1247G>A on transcript NM_000812.4 (MANE Select); coding-DNA position 1247, G replaced by A.
Protein change: p.Arg416His; replaces arginine 416 with histidine.
Molecular consequence: missense variant.
Genome position (GRCh38, 1-based): chr4:47,425,840, G>A. VCF-style: chr4-47425840-G-A. GRCh37 (hg19) VCF-style: chr4-47427857-G-A.
Other names: short protein forms R416H.
Identifiers: ClinVar variation 1498738 (VCV001498738.6), dbSNP rs2110071129, ClinGen allele CA356767459.

ClinVar aggregate classification (germline): Uncertain significance (1 of 4 stars; one submission).

gnomAD v4.1: 6 of 1,614,034 alleles (0.00037%); highest among the groups gnomAD compares: Non-Finnish European, 0.00051%; no homozygotes.

Submission:

Labcorp Genetics (formerly Invitae), Labcorp
Classification: Uncertain significance. Last evaluated: 2025-08-31. Review status: criteria provided, single submitter. Criteria: Invitae Variant Classification Sherloc (09022015). Collection method: clinical testing. Allele origin: germline.
Comment: This sequence change replaces arginine, which is basic and polar, with histidine, which is basic and polar, at codon 416 of the GABRB1 protein (p.Arg416His). This variant is not present in population databases (gnomAD no frequency). This variant has not been reported in the literature in individuals affected with GABRB1-related conditions. ClinVar contains an entry for this variant (Variation ID: 1498738). Invitae Evidence Modeling of protein sequence and biophysical properties (such as structural, functional, and spatial information, amino acid conservation, physicochemical variation, residue mobility, and thermodynamic stability) indicates that this missense variant is not expected to disrupt GABRB1 protein function with a negative predictive value of 80%. In summary, the available evidence is currently insufficient to determine the role of this variant in disease. Therefore, it has been classified as a Variant of Uncertain Significance.